The following is an entry in ClinVar:

ClinVar aggregate classification (germline): Uncertain significance (1 of 4 stars; one submission).

gnomAD v4.1: 8 of 1,614,200 alleles (0.0005%); highest among the groups gnomAD compares: Admixed American, 0.0017%; no homozygotes.

Submission:

Labcorp Genetics (formerly Invitae), Labcorp
Classification: Uncertain significance. Last evaluated: 2025-02-24. Review status: criteria provided, single submitter. Criteria: Invitae Variant Classification Sherloc (09022015). Collection method: clinical testing. Allele origin: germline.
Comment: This sequence change replaces glutamine, which is neutral and polar, with arginine, which is basic and polar, at codon 390 of the DISP1 protein (p.Gln390Arg). This variant is not present in population databases (gnomAD no frequency). This variant has not been reported in the literature in individuals affected with DISP1-related conditions. An algorithm developed to predict the effect of missense changes on protein structure and function outputs the following: PolyPhen-2: "Benign". The arginine amino acid residue is found in multiple mammalian species, which suggests that this missense change does not adversely affect protein function. In summary, the available evidence is currently insufficient to determine the role of this variant in disease. Therefore, it has been classified as a Variant of Uncertain Significance.

NM_001377229.1(DISP1):c.1169A>G (p.Gln390Arg)

Gene: DISP1 (dispatched RND transporter family member 1; plus strand). Cytogenetic location: 1q41.
Variant type: single nucleotide variant.
Coding change: c.1169A>G on transcript NM_001377229.1 (MANE Select); coding-DNA position 1169, A replaced by G.
Protein change: p.Gln390Arg; replaces glutamine 390 with arginine.
Molecular consequence: missense variant.
Genome position (GRCh38, 1-based): chr1:223,002,566, A>G. VCF-style: chr1-223002566-A-G. GRCh37 (hg19) VCF-style: chr1-223175908-A-G.
Other names: c.440A>G, p.Gln147Arg (NM_001350630.2); c.1169A>G, p.Gln390Arg (NM_001369594.1, NM_001377228.1, NM_032890.5); short protein forms Q147R, Q390R.
Identifiers: ClinVar variation 4752447 (VCV004752447.1).
Genomic context (GRCh38, chr1:223,002,566, plus strand): 5'-TAGTTGAGCGAGACGTTTCTCATACCTTGAAGCTGCTTCGGACTTGTGCCAAACACTACC[A>G]AAATGGCACTCTGGGGCCAGACTGCTGGGACATGGCAGCCAGAAGAAAGGACCAGCTCAA-3'
Protein context (NP_001364158.1, residues 380-400): KLLRTCAKHY[Gln390Arg]NGTLGPDCWD